The following is an entry in ClinVar:

ClinVar aggregate classification (germline): Uncertain significance. Review status: no assertion criteria provided (0 of 4 stars). 2 submissions from 1 submitter: Uncertain significance (1). 1 of the submissions does not count toward it.

Allele frequency attached by ClinVar (database versions not stated): gnomAD exomes below 0.00001.
gnomAD v4.1: 1 of 1,613,800 alleles (0.000062%); highest among the groups gnomAD compares: Non-Finnish European, 0.000085%; no homozygotes.

Submissions (2):

Richard Lifton Laboratory, Yale University School of Medicine
Classification: Uncertain significance. Review status: no assertion criteria provided. Collection method: not provided. Allele origin: somatic.
Comment: TNFRSF10A:p.G119S
ClinVar note: Converted during submission from unknown to Uncertain significance.

Richard Lifton Laboratory, Yale University School of Medicine
Classification: Uncertain significance. Review status: flagged submission. Collection method: not provided. Allele origin: somatic. Not counted in ClinVar's aggregate classification.
ClinVar note: Converted during submission from unknown to Uncertain significance.
ClinVar note: Reason: This record appears to be redundant with a more recent record from the same submitter.
ClinVar note: Notes: SCV000120071 appears to be redundant with SCV000155175.

NM_003844.4(TNFRSF10A):c.355G>A (p.Gly119Ser)

Gene: TNFRSF10A (TNF receptor superfamily member 10a; minus strand). Cytogenetic location: 8p21.3.
Variant type: single nucleotide variant.
Coding change: c.355G>A on transcript NM_003844.4 (MANE Select); coding-DNA position 355, G replaced by A.
Protein change: p.Gly119Ser; replaces glycine 119 with serine.
Molecular consequence: missense variant.
Genome position (GRCh38, 1-based): chr8:23,212,164, C>T on the plus strand (G>A on the coding strand, the complement: TNFRSF10A is on the minus strand). VCF-style: chr8-23212164-C-T. GRCh37 (hg19) VCF-style: chr8-23069677-C-T.
Other names: short protein forms G119S.
Identifiers: ClinVar variation 100847 (VCV000100847.2), dbSNP rs483352726, ClinGen allele CA229119.